The following is an entry in ClinVar:

ClinVar aggregate classification (germline): Uncertain significance (1 of 4 stars; one submission).

Submission:

Labcorp Genetics (formerly Invitae), Labcorp
Classification: Uncertain significance. Last evaluated: 2022-09-19. Review status: criteria provided, single submitter. Criteria: Invitae Variant Classification Sherloc (09022015). Collection method: clinical testing. Allele origin: germline.
Comment: This sequence change replaces arginine, which is basic and polar, with proline, which is neutral and non-polar, at codon 22 of the VDR protein (p.Arg22Pro). This variant is not present in population databases (gnomAD no frequency). This variant has not been reported in the literature in individuals affected with VDR-related conditions. Advanced modeling of protein sequence and biophysical properties (such as structural, functional, and spatial information, amino acid conservation, physicochemical variation, residue mobility, and thermodynamic stability) performed at Invitae indicates that this missense variant is not expected to disrupt VDR protein function. In summary, the available evidence is currently insufficient to determine the role of this variant in disease. Therefore, it has been classified as a Variant of Uncertain Significance.

NM_000376.3(VDR):c.65G>C (p.Arg22Pro)

Gene: VDR (vitamin D receptor; minus strand). Cytogenetic location: 12q13.11.
Variant type: single nucleotide variant.
Coding change: c.65G>C on transcript NM_000376.3 (MANE Select); coding-DNA position 65, G replaced by C.
Protein change: p.Arg22Pro; replaces arginine 22 with proline.
Molecular consequence: missense variant.
Genome position (GRCh38, 1-based): chr12:47,879,049, C>G on the plus strand (G>C on the coding strand, the complement: VDR is on the minus strand). VCF-style: chr12-47879049-C-G. GRCh37 (hg19) VCF-style: chr12-48272832-C-G.
Other names: c.65G>C, p.Arg22Pro (NM_001017535.2, NM_001364085.2, NM_001374661.1 and 1 more transcripts); c.215G>C, p.Arg72Pro (NM_001017536.2); short protein forms R72P, R22P.
Identifiers: ClinVar variation 2072618 (VCV002072618.1), dbSNP rs201676749, ClinGen allele CA384515058.
Genomic context (GRCh38, chr12:47,879,049, plus strand): 5'-TCACAGGTCATAGCATTGAAGTGAAAGCCAGTGGCTCGGTCTCCACACACCCCACAGATC[C>G]GGGGCACGTTCCGGTCAAAGTCTCCAGGGTCAGGCAGGGAAGTGCTGGCCGCCATTGCCT-3'
Protein context (NP_000367.1, residues 12-32): DPGDFDRNVP[Arg22Pro]ICGVCGDRAT